The following is an entry in ClinVar:

NM_007055.4(POLR3A):c.864C>T (p.Phe288=)

Gene: POLR3A (RNA polymerase III subunit A; minus strand). Cytogenetic location: 10q22.3.
Variant type: single nucleotide variant.
Coding change: c.864C>T on transcript NM_007055.4 (MANE Select); coding-DNA position 864, C replaced by T.
Protein change: p.Phe288=; no amino-acid change (phenylalanine 288 retained).
Molecular consequence: synonymous variant.
Genome position (GRCh38, 1-based): chr10:78,022,166, G>A on the plus strand (C>T on the coding strand, the complement: POLR3A is on the minus strand). VCF-style: chr10-78022166-G-A. GRCh37 (hg19) VCF-style: chr10-79781924-G-A.
Identifiers: ClinVar variation 1609882 (VCV001609882.17), dbSNP rs764364652, ClinGen allele CA5571600.

ClinVar aggregate classification (germline): Likely benign. Review status: criteria provided, multiple submitters, no conflicts (2 of 4 stars). 3 submissions from 3 submitters: Likely benign (3). Last evaluated 2025-08-01.

Allele frequency attached by ClinVar (database versions not stated): ExAC 0.00002; gnomAD exomes 0.00002 and 0.00004; gnomAD 0.00005; TOPMed 0.00005.
gnomAD v4.1: 70 of 1,614,050 alleles (0.0043%); highest among the groups gnomAD compares: Non-Finnish European, 0.0058%; no homozygotes.

Submissions (3):

CeGaT Center for Human Genetics Tuebingen
Classification: Likely benign. Last evaluated: 2025-08-01. Review status: criteria provided, single submitter. Criteria: CeGaT Center For Human Genetics Tuebingen Variant Classification Criteria Version 2. Collection method: clinical testing. Allele origin: germline. Affected: yes. Observed: 1 variant allele.
Comment: POLR3A: BP4, BP7

Labcorp Genetics (formerly Invitae), Labcorp
Classification: Likely benign. Last evaluated: 2025-06-16. Review status: criteria provided, single submitter. Criteria: Invitae Variant Classification Sherloc (09022015). Collection method: clinical testing. Allele origin: germline.

Blueprint Genetics
Classification: Likely benign. Last evaluated: 2024-04-24. Review status: criteria provided, single submitter. Criteria: ACMG Guidelines, 2015. Collection method: clinical testing. Allele origin: germline.